The following is an entry in ClinVar:

NM_001844.5(COL2A1):c.610-2A>T

Gene: COL2A1 (collagen type II alpha 1 chain; minus strand). Cytogenetic location: 12q13.11.
Variant type: single nucleotide variant.
Coding change: c.610-2A>T on transcript NM_001844.5 (MANE Select); the canonical splice acceptor site of the intron before coding-DNA position 610, A replaced by T.
Molecular consequence: splice acceptor variant.
Genome position (GRCh38, 1-based): chr12:47,995,921, T>A on the plus strand (A>T on the coding strand, the complement: COL2A1 is on the minus strand). VCF-style: chr12-47995921-T-A. GRCh37 (hg19) VCF-style: chr12-48389704-T-A.
Other names: c.403-2A>T (NM_033150.3).
Identifiers: ClinVar variation 1705352 (VCV001705352.1), dbSNP rs2540175543, ClinGen allele CA384523999.
Genomic context (GRCh38, chr12:47,995,921, plus strand): 5'-TTGCAGATACTTACAGGAGCACCTGCAGGGCCTGGAGGTCCTCGAGGTCCCATGGGGCCC[T>A]GCATCGGAACAGAAAATGAGGGGTTTACTACACATGCTTCCTCAGTGGCCTCCAGTGTGC-3'

ClinVar aggregate classification (germline): Likely pathogenic (1 of 4 stars; one submission).

Conditions:
Stickler syndrome type 1 (STL1). Also called: ARTHROOPHTHALMOPATHY, HEREDITARY PROGRESSIVE; COL2A1-Related Stickler Syndrome; STICKLER SYNDROME, MEMBRANOUS VITREOUS TYPE; STICKLER SYNDROME, VITREOUS TYPE 1. Identifiers: Orphanet 828, Orphanet 90653, MedGen C2020284, MONDO:0007160, OMIM 108300.

Submission:

3billion
Classification: Likely pathogenic for Stickler syndrome type 1. Last evaluated: 2022-09-01. Review status: criteria provided, single submitter. Criteria: ACMG Guidelines, 2015. Collection method: clinical testing. Allele origin: germline. Affected: yes. Observed: 1 homozygote.
Comment: The variant is not observed in the gnomAD v2.1.1 dataset. Canonical splice site is predicted to alter splicing and result in a loss or disruption of normal protein function. Multiple pathogenic loss-of-function variants are reported downstream of the variant. Therefore, this variant is classified as Likely pathogenic according to the recommendation of ACMG/AMP guideline.